The following is an entry in ClinVar:

NM_001110556.2(FLNA):c.3421G>A (p.Ala1141Thr)

Gene: FLNA (filamin A; minus strand). Cytogenetic location: Xq28.
Variant type: single nucleotide variant.
Coding change: c.3421G>A on transcript NM_001110556.2 (MANE Select); coding-DNA position 3421, G replaced by A.
Protein change: p.Ala1141Thr; replaces alanine 1141 with threonine.
Molecular consequence: missense variant.
Genome position (GRCh38, 1-based): chrX:154,360,374, C>T on the plus strand (G>A on the coding strand, the complement: FLNA is on the minus strand). VCF-style: chrX-154360374-C-T. GRCh37 (hg19) VCF-style: chrX-153588742-C-T.
Other names: p.A1141T:GCT>ACT; c.3421G>A (NM_001110556.1); c.3421G>A, p.Ala1141Thr (NM_001456.4); short protein forms A1141T.
Identifiers: ClinVar variation 213471 (VCV000213471.44), dbSNP rs201908251, ClinGen allele CA323558.

ClinVar aggregate classification (germline): Benign/Likely benign. Review status: criteria provided, multiple submitters, no conflicts (2 of 4 stars). 8 submissions from 8 submitters: Benign (1); Likely benign (7). Last evaluated 2026-09-01.

Conditions:
Oto-palato-digital syndrome, type II (OPD2). Also called: Otopalatodigital Syndrome, Type II; FACIOPALATOOSSEOUS SYNDROME; OPD II SYNDROME; Otopalatodigital Syndrome Type 2 (FLNA-OPD2). Identifiers: Orphanet 669, Orphanet 90652, MedGen C1844696, MONDO:0010571, OMIM 304120.
Melnick-Needles syndrome (MNS). Also called: MELNICK-NEEDLES OSTEODYSPLASTY; OSTEODYSPLASTY OF MELNICK AND NEEDLES; Melnick-Needles Syndrome (FLNA-MNS). Identifiers: Orphanet 2484, MedGen C0025237, MONDO:0010650, OMIM 309350.
Frontometaphyseal dysplasia (FMD1). Identifiers: Orphanet 1826, MedGen C0265293, MONDO:0015942.
Heterotopia, periventricular, X-linked dominant (PVNH1). Also called: X-linked periventricular heterotopia; PERIVENTRICULAR NODULAR HETEROTOPIA 1; PERIVENTRICULAR NODULAR HETEROTOPIA 4; HETEROTOPIA, PERIVENTRICULAR, 1. Identifiers: Orphanet 2149, Orphanet 82004, MedGen C1848213, MONDO:0010233, OMIM 300049.
FLNA-related disorder.
Connective tissue disorder. Also called: Connective tissue disease. Identifiers: MedGen C0009782, MONDO:0003900.
Frontometaphyseal dysplasia 1 (FMD1). Also called: Frontometaphyseal Dysplasia (FLNA-FMD). Identifiers: Orphanet 1826, MedGen C4281559, MONDO:0024550, OMIM 305620.
FG syndrome 2 (FGS2). Identifiers: MedGen C1845902, MONDO:0010297, OMIM 300321.
Oto-palato-digital syndrome, type I (OPD1). Also called: Taybi syndrome; Otopalatodigital Syndrome, Type I; OPD I SYNDROME; OPD SYNDROME 1; Otopalatodigital Syndrome Type 1 (FLNA-OPD1). Identifiers: Orphanet 669, Orphanet 90650, MedGen C0265251, MONDO:0010704, OMIM 311300.
Intestinal pseudoobstruction, neuronal, chronic idiopathic, X-linked (CIIPX). Also called: CONGENITAL IDIOPATHIC INTESTINAL PSEUDOOBSTRUCTION; INTESTINAL PSEUDOOBSTRUCTION, NEURONAL, CHRONIC IDIOPATHIC, WITH CENTRAL NERVOUS SYSTEM INVOLVEMENT; FLNA-Related Periventricular Nodular Heterotopia (FLNA-Related PVNH; Huttenlocher Syndrome). Identifiers: Orphanet 2301, MedGen C2746068, MONDO:0010232, OMIM 300048.
Cardiac valvular dysplasia, X-linked (CVDPX). Also called: VALVULAR HEART DISEASE, CONGENITAL; FLNA-Related X-linked Cardiac Valvular Dysplasia; MYXOMATOUS VALVULAR DYSTROPHY, X-LINKED; Congenital valvular dysplasia; Isolated X-Linked Cardiac Valvular Dysplasia. Identifiers: Orphanet 1864, Orphanet 555877, Orphanet 75497, MedGen C0262436, MONDO:0010753, OMIM 314400.
Terminal osseous dysplasia-pigmentary defects syndrome. Also called: ODPF SYNDROME; OSSEOUS DYSPLASIA, DIGITAL, WITH FACIAL PIGMENTARY DEFECTS AND MULTIPLE FRENULA; ODPD; TERMINAL OSSEOUS DYSPLASIA AND PIGMENTARY DEFECTS; Terminal Osseous Dysplasia (FLNA-TOD). Identifiers: Orphanet 88630, MedGen C1846129, MONDO:0010279, OMIM 300244.
Familial thoracic aortic aneurysm and aortic dissection (TAAD). Also called: Thoracic aortic aneurysms and dissections. Identifiers: Orphanet 91387, MedGen C4707243, MONDO:0019625.

Allele frequency attached by ClinVar (database versions not stated): ESP Exome Variant Server 0.00010; TOPMed 0.00012; gnomAD exomes 0.00020 and 0.00031; gnomAD 0.00023 and 0.00025; ExAC 0.00031.
gnomAD v4.1: 238 of 1,210,460 alleles (0.02%); highest among the groups gnomAD compares: Middle Eastern, 0.023%; no homozygotes.

Submissions (8):

CeGaT Center for Human Genetics Tuebingen
Classification: Likely benign. Last evaluated: 2026-09-01. Review status: criteria provided, single submitter. Criteria: CeGaT Center For Human Genetics Tuebingen Variant Classification Criteria Version 2. Collection method: clinical testing. Allele origin: germline. Affected: yes. Observed: 2 variant alleles.
Comment: FLNA: BS2

PreventionGenetics, part of Exact Sciences
Classification: Likely benign for FLNA-related condition. Last evaluated: 2026-05-14. Review status: criteria provided, single submitter. Criteria: ACMG Guidelines, 2015. Collection method: clinical testing. Allele origin: germline.
Comment: This variant is classified as likely benign based on ACMG/AMP sequence variant interpretation guidelines (Richards et al. 2015 PMID: 25741868, with internal and published modifications).

Labcorp Genetics (formerly Invitae), Labcorp
Classification: Benign for Oto-palato-digital syndrome, type II; Heterotopia, periventricular, X-linked dominant; Frontometaphyseal dysplasia; Melnick-Needles syndrome. Last evaluated: 2025-12-21. Review status: criteria provided, single submitter. Criteria: Invitae Variant Classification Sherloc (09022015). Collection method: clinical testing. Allele origin: germline.

Blueprint Genetics
Classification: Likely benign. Last evaluated: 2024-06-24. Review status: criteria provided, single submitter. Criteria: ACMG Guidelines, 2015. Collection method: clinical testing. Allele origin: germline.

Fulgent Genetics
Classification: Likely benign for Intestinal pseudoobstruction, neuronal, chronic idiopathic, X-linked; Heterotopia, periventricular, X-linked dominant; Terminal osseous dysplasia-pigmentary defects syndrome; FG syndrome 2; Oto-palato-digital syndrome, type II; Frontometaphyseal dysplasia 1; Melnick-Needles syndrome; Oto-palato-digital syndrome, type I; Cardiac valvular dysplasia, X-linked. Last evaluated: 2022-03-09. Review status: criteria provided, single submitter. Criteria: ACMG Guidelines, 2015. Collection method: clinical testing. Allele origin: unknown.

GeneDx
Classification: Likely benign. Last evaluated: 2019-04-18. Review status: criteria provided, single submitter. Criteria: GeneDx Variant Classification Process June 2021. Collection method: clinical testing. Allele origin: germline. Affected: yes.
Comment: This variant is associated with the following publications: (PMID: 27724990)

Ambry Genetics
Classification: Likely benign for Familial thoracic aortic aneurysm and aortic dissection. Last evaluated: 2018-10-17. Review status: criteria provided, single submitter. Criteria: Ambry Variant Classification Scheme 2023. Collection method: clinical testing. Allele origin: germline.

Center for Human Genetics, Inc
Classification: Likely benign for Connective tissue disorder. Last evaluated: 2016-11-01. Review status: criteria provided, single submitter. Criteria: ACMG Guidelines, 2015. Collection method: clinical testing. Allele origin: germline. Affected: yes.